The following is an entry in ClinVar:

ClinVar aggregate classification (germline): Pathogenic (1 of 4 stars; one submission).

Submission:

GeneDx
Classification: Pathogenic. Last evaluated: 2025-07-21. Review status: criteria provided, single submitter. Criteria: GeneDx Variant Classification Process June 2021. Collection method: clinical testing. Allele origin: germline. Affected: yes.
Comment: Frameshift variant predicted to result in protein truncation or nonsense mediated decay in a gene for which loss of function is a known mechanism of disease; Not observed at significant frequency in large population cohorts (gnomAD); This variant is associated with the following publications: (PMID: 25156943)

NM_001374504.1(TMPRSS6):c.1687_1697del (p.Gly563fs)

Gene: TMPRSS6 (transmembrane serine protease 6; minus strand). Cytogenetic location: 22q12.3.
Variant type: Deletion.
Coding change: c.1687_1697del on transcript NM_001374504.1 (MANE Select); coding-DNA positions 1687 to 1697, 11 bases deleted (GGCCCCTCCAG).
Protein change: p.Gly563fs; shifts the reading frame from glycine 563.
Molecular consequence: frameshift variant.
Genome position (GRCh38, 1-based): chr22:37,070,628-37,070,638, CTGGAGGGGCC deleted on the plus strand (GGCCCCTCCAG on the coding strand, the reverse complement: TMPRSS6 is on the minus strand); deleting any 11 consecutive bases within chr22:37,070,628-37,070,645 gives the same sequence; the c. name uses the placement nearest the transcript's 3' end. VCF-style (leftmost placement, unchanged base first): chr22-37070627-GCTGGAGGGGCC-G. GRCh37 (hg19) VCF-style: chr22-37466667-GCTGGAGGGGCC-G.
Other names: c.1687_1697del, p.Gly563fs (NM_001289000.2, NM_001289001.2, NM_153609.4); short protein forms G563fs.
Identifiers: ClinVar variation 4686736 (VCV004686736.1).